The following is an entry in ClinVar:

ClinVar aggregate classification (germline): Uncertain significance. Review status: criteria provided, multiple submitters, no conflicts (2 of 4 stars). 2 submissions from 2 submitters: Uncertain significance (2). Last evaluated 2021-04-03.

Conditions:
Severe early-onset pulmonary alveolar proteinosis due to MARS deficiency. Also called: PULMONARY ALVEOLAR PROTEINOSIS, REUNION ISLAND; Interstitial lung and liver disease. Identifiers: Orphanet 440427, MedGen C4225400, MONDO:0014206, OMIM 615486.
Charcot-Marie-Tooth disease axonal type 2U. Also called: CHARCOT-MARIE-TOOTH NEUROPATHY, TYPE 2U; CHARCOT-MARIE-TOOTH DISEASE, AXONAL, AUTOSOMAL DOMINANT, TYPE 2U. Identifiers: Orphanet 397735, MedGen C4084821, MONDO:0014566, OMIM 616280.

Allele frequency attached by ClinVar (database versions not stated): TOPMed below 0.00001; gnomAD 0.00001.
gnomAD v4.1: 1 of 1,612,720 alleles (0.000062%); highest among the groups gnomAD compares: Non-Finnish European, 0.000085%; no homozygotes.

Submissions (2):

Labcorp Genetics (formerly Invitae), Labcorp
Classification: Uncertain significance for Charcot-Marie-Tooth disease axonal type 2U; Severe early-onset pulmonary alveolar proteinosis due to MARS deficiency. Last evaluated: 2021-04-03. Review status: criteria provided, single submitter. Criteria: Invitae Variant Classification Sherloc (09022015). Collection method: clinical testing. Allele origin: germline.
Comment: In summary, the available evidence is currently insufficient to determine the role of this variant in disease. Therefore, it has been classified as a Variant of Uncertain Significance. Algorithms developed to predict the effect of missense changes on protein structure and function output the following: SIFT: "Tolerated"; PolyPhen-2: "Benign"; Align-GVGD: "Class C0". The arginine amino acid residue is found in multiple mammalian species, suggesting that this missense change does not adversely affect protein function. These predictions have not been confirmed by published functional studies and their clinical significance is uncertain. This variant has not been reported in the literature in individuals with MARS-related conditions. This variant is not present in population databases (ExAC no frequency). This sequence change replaces glutamine with arginine at codon 794 of the MARS protein (p.Gln794Arg). The glutamine residue is moderately conserved and there is a small physicochemical difference between glutamine and arginine.

Ambry Genetics
Classification: Uncertain significance. Last evaluated: 2020-03-17. Review status: criteria provided, single submitter. Criteria: Ambry Variant Classification Scheme 2023. Collection method: clinical testing. Allele origin: germline.
Comment: The p.Q794R variant (also known as c.2381A>G), located in coding exon 18 of the MARS gene, results from an A to G substitution at nucleotide position 2381. The glutamine at codon 794 is replaced by arginine, an amino acid with highly similar properties. This amino acid position is not well conserved in available vertebrate species, and arginine is the reference amino acid in other vertebrate species. In addition, this alteration is predicted to be tolerated by in silico analysis. Since supporting evidence is limited at this time, the clinical significance of this alteration remains unclear.

NM_004990.4(MARS1):c.2381A>G (p.Gln794Arg)

Gene: MARS1 (methionyl-tRNA synthetase 1; plus strand). Cytogenetic location: 12q13.3.
Variant type: single nucleotide variant.
Coding change: c.2381A>G on transcript NM_004990.4 (MANE Select); coding-DNA position 2381, A replaced by G.
Protein change: p.Gln794Arg; replaces glutamine 794 with arginine.
Molecular consequence: missense variant.
Genome position (GRCh38, 1-based): chr12:57,515,326, A>G. VCF-style: chr12-57515326-A-G. GRCh37 (hg19) VCF-style: chr12-57909109-A-G.
Other names: short protein forms Q794R.
Identifiers: ClinVar variation 1681791 (VCV001681791.10), dbSNP rs1489534290, ClinGen allele CA385466823.